The following is an entry in ClinVar:

NM_152419.3(HGSNAT):c.493+836G>A

Gene: HGSNAT (heparan-alpha-glucosaminide N-acetyltransferase; plus strand). Cytogenetic location: 8p11.21.
Variant type: single nucleotide variant.
Coding change: c.493+836G>A on transcript NM_152419.3 (MANE Select); 836 bases into the intron after coding-DNA position 493, G replaced by A.
Molecular consequence: intron variant.
Genome position (GRCh38, 1-based): chr8:43,159,880, G>A. VCF-style: chr8-43159880-G-A. GRCh37 (hg19) VCF-style: chr8-43015023-G-A.
Other names: c.493+836G>A (NM_001363227.2, NM_001363228.2); c.-341+836G>A (NM_001363229.2).
Identifiers: ClinVar variation 1706868 (VCV001706868.2), dbSNP rs73675459, ClinGen allele CA176058600.

ClinVar aggregate classification (germline): Likely benign (1 of 4 stars; one submission).

Allele frequency attached by ClinVar (database versions not stated): gnomAD 0.00997; 1000 Genomes Project 0.01058; 1000 Genomes Project 30x 0.01140; TOPMed 0.01188.
gnomAD v4.1: 1,503 of 152,216 alleles (0.99%); highest among the groups gnomAD compares: African/African-American, 3.4%; 35 homozygotes.

Submission:

GeneDx
Classification: Likely benign. Last evaluated: 2021-05-21. Review status: criteria provided, single submitter. Criteria: GeneDx Variant Classification Process June 2021. Collection method: clinical testing. Allele origin: germline. Affected: yes.
Comment: See Variant Classification Assertion Criteria.